The following is an entry in ClinVar:

ClinVar aggregate classification (germline): Likely benign (0 of 4 stars; one submission).

Conditions:
DENND4B-related disorder. Also called: DENND4B-related condition.

Allele frequency attached by ClinVar (database versions not stated): gnomAD exomes 0.00001; TOPMed 0.00002; gnomAD 0.00003; ExAC 0.00008.

Submission:

PreventionGenetics, part of Exact Sciences
Classification: Likely benign for DENND4B-related condition. Last evaluated: 2019-04-30. Review status: no assertion criteria provided. Collection method: clinical testing. Allele origin: germline.
Comment: This variant is classified as likely benign based on ACMG/AMP sequence variant interpretation guidelines (Richards et al. 2015 PMID: 25741868, with internal and published modifications).

NM_014856.3(DENND4B):c.39C>T (p.Phe13=)

Gene: DENND4B (DENN domain containing 4B; minus strand). Cytogenetic location: 1q21.3.
Variant type: single nucleotide variant.
Coding change: c.39C>T on transcript NM_014856.3 (MANE Select); coding-DNA position 39, C replaced by T.
Protein change: p.Phe13=; no amino-acid change (phenylalanine 13 retained).
Molecular consequence: synonymous variant.
Genome position (GRCh38, 1-based): chr1:153,944,336, G>A on the plus strand (C>T on the coding strand, the complement: DENND4B is on the minus strand). VCF-style: chr1-153944336-G-A. GRCh37 (hg19) VCF-style: chr1-153916812-G-A.
Other names: c.72C>T, p.Phe24= (NM_001367466.1).
Identifiers: ClinVar variation 3056982 (VCV003056982.2), dbSNP rs746475540, ClinGen allele CA1122046.